The following is an entry in ClinVar:

ClinVar aggregate classification (germline): Benign/Likely benign. Review status: criteria provided, multiple submitters, no conflicts (2 of 4 stars). 7 submissions from 7 submitters: Benign (2); Likely benign (4). 1 of the submissions does not count toward it. Last evaluated 2026-01-14.

Conditions:
COQ9-related disorder. Also called: COQ9-related condition.
Encephalopathy-hypertrophic cardiomyopathy-renal tubular disease syndrome. Identifiers: Orphanet 319678, MedGen C3553374, MONDO:0013840, OMIM 614654.

Allele frequency attached by ClinVar (database versions not stated): gnomAD exomes 0.00043 and 0.00125; ExAC 0.00173; ESP Exome Variant Server 0.00215; gnomAD 0.00217 and 0.00222; TOPMed 0.00243; 1000 Genomes Project 0.00479; 1000 Genomes Project 30x 0.00484.
gnomAD v4.1: 1,025 of 1,611,516 alleles (0.064%); highest among the groups gnomAD compares: African/African-American, 0.66%; 6 homozygotes.

Submissions (7):

Labcorp Genetics (formerly Invitae), Labcorp
Classification: Benign. Last evaluated: 2026-01-14. Review status: criteria provided, single submitter. Criteria: Invitae Variant Classification Sherloc (09022015). Collection method: clinical testing. Allele origin: germline.

Blueprint Genetics
Classification: Likely benign. Last evaluated: 2024-10-28. Review status: criteria provided, single submitter. Criteria: ACMG Guidelines, 2015. Collection method: clinical testing. Allele origin: germline.

CeGaT Center for Human Genetics Tuebingen
Classification: Likely benign. Last evaluated: 2022-04-01. Review status: criteria provided, single submitter. Criteria: CeGaT Center For Human Genetics Tuebingen Variant Classification Criteria Version 2. Collection method: clinical testing. Allele origin: germline. Affected: yes. Observed: 1 variant allele.
Comment: COQ9: BS2

Fulgent Genetics
Classification: Likely benign for Encephalopathy-hypertrophic cardiomyopathy-renal tubular disease syndrome. Last evaluated: 2021-11-23. Review status: criteria provided, single submitter. Criteria: ACMG Guidelines, 2015. Collection method: clinical testing. Allele origin: unknown.

Illumina Laboratory Services, Illumina
Classification: Likely benign for Encephalopathy-hypertrophic cardiomyopathy-renal tubular disease syndrome. Last evaluated: 2018-01-13. Review status: criteria provided, single submitter. Criteria: ICSL Variant Classification Criteria 13 December 2019. Collection method: clinical testing. Allele origin: germline.
Comment: This variant was observed in the ICSL laboratory as part of a predisposition screen in an ostensibly healthy population. It had not been previously curated by ICSL or reported in the Human Gene Mutation Database (HGMD: prior to June 1st, 2018), and was therefore a candidate for classification through an automated scoring system. Utilizing variant allele frequency, disease prevalence and penetrance estimates, and inheritance mode, an automated score was calculated to assess if this variant is too frequent to cause the disease. Based on the score and internal cut-off values, a variant classified as likely benign is not then subjected to further curation. The score for this variant resulted in a classification of likely benign for this disease.

GeneDx
Classification: Benign. Last evaluated: 2014-05-27. Review status: criteria provided, single submitter. Criteria: GeneDx Variant Classification (06012015). Collection method: clinical testing. Allele origin: germline. Affected: yes.
Comment: This variant is considered likely benign or benign based on one or more of the following criteria: it is a conservative change, it occurs at a poorly conserved position in the protein, it is predicted to be benign by multiple in silico algorithms, and/or has population frequency not consistent with disease.

PreventionGenetics, part of Exact Sciences
Classification: Benign for COQ9-related condition. Last evaluated: 2019-06-17. Review status: no assertion criteria provided. Collection method: clinical testing. Allele origin: germline. Not counted in ClinVar's aggregate classification.
Comment: This variant is classified as benign based on ACMG/AMP sequence variant interpretation guidelines (Richards et al. 2015 PMID: 25741868, with internal and published modifications).

NM_020312.4(COQ9):c.625C>G (p.Leu209Val)

Gene: COQ9 (coenzyme Q9; plus strand). Cytogenetic location: 16q21.
Variant type: single nucleotide variant.
Coding change: c.625C>G on transcript NM_020312.4 (MANE Select); coding-DNA position 625, C replaced by G.
Protein change: p.Leu209Val; replaces leucine 209 with valine.
Molecular consequence: missense variant.
Genome position (GRCh38, 1-based): chr16:57,458,264, C>G. VCF-style: chr16-57458264-C-G. GRCh37 (hg19) VCF-style: chr16-57492176-C-G.
Other names: p.L209V:CTC>GTC; short protein forms L209V.
Identifiers: ClinVar variation 136988 (VCV000136988.42), dbSNP rs78846023, ClinGen allele CA290445.